The following is an entry in ClinVar:

NM_006514.4(SCN10A):c.229dup (p.Glu77fs)

Gene: SCN10A (sodium voltage-gated channel alpha subunit 10; minus strand). Cytogenetic location: 3p22.2.
Variant type: Duplication.
Coding change: c.229dup on transcript NM_006514.4 (MANE Select); coding-DNA position 229, one base duplicated (G; older notation c.229dupG).
Protein change: p.Glu77fs; shifts the reading frame from glutamic acid 77.
Molecular consequence: frameshift variant.
Genome position (GRCh38, 1-based): chr3:38,793,782, C duplicated on the plus strand (G on the coding strand, the reverse complement: SCN10A is on the minus strand); the first of 4 consecutive C bases (chr3:38,793,782-38,793,785); duplicating any one gives the same sequence. VCF-style (leftmost placement, unchanged base first): chr3-38793781-T-TC. GRCh37 (hg19) VCF-style: chr3-38835272-T-TC.
Other names: c.229dup, p.Glu77fs (NM_001293306.2, NM_001293307.2); short protein forms E77fs.
Identifiers: ClinVar variation 1789228 (VCV001789228.2), dbSNP rs2470900665, ClinGen allele CA2577554541.
Genomic context (GRCh38, chr3:38,793,781, plus strand): 5'-TTCCTACTAGTAGCTCTTACCCGGTGTGTGCTGTAGAACGGATCTAGATCCTCCAGGGGC[T>TC]CCCCGATCAGTTCTGCTGGGAGCTCACCATAGAACTTGGGCAGCTGGTTGCAGGCTTTCA-3'

ClinVar aggregate classification (germline): Uncertain significance (1 of 4 stars; one submission).

Conditions:
Cardiovascular phenotype. Identifiers: MedGen CN230736.

Submission:

Ambry Genetics
Classification: Uncertain significance for Cardiovascular phenotype. Last evaluated: 2021-05-01. Review status: criteria provided, single submitter. Criteria: Ambry Variant Classification Scheme 2023. Collection method: clinical testing. Allele origin: germline.
Comment: The c.229dupG variant, located in coding exon 1 of the SCN10A gene, results from a duplication of G at nucleotide position 229, causing a translational frameshift with a predicted alternate stop codon (p.E77Gfs*29). This alteration is expected to result in premature protein truncation or nonsense-mediated mRNA decay. However, loss of function of SCN10A has not been clearly established as a mechanism of disease. Since supporting evidence is limited at this time, the clinical significance of this alteration remains unclear.